The following is an entry in ClinVar:

ClinVar aggregate classification (germline): Uncertain significance (1 of 4 stars; one submission).

Conditions:
3-methylglutaconic aciduria, type VIIB (MGCA7B). Also called: 3-methylglutaconic aciduria with cataracts, neurologic involvement and neutropenia; 3-methylglutaconic aciduria, type VII, with cataracts, neurologic involvement and neutropenia; CLPB Deficiency. Identifiers: Orphanet 445038, MedGen C5676893, MONDO:0014561, OMIM 616271.

Allele frequency attached by ClinVar (database versions not stated): ExAC 0.00001; TOPMed 0.00001.
gnomAD v4.1: 7 of 1,613,936 alleles (0.00043%); highest among the groups gnomAD compares: Admixed American, 0.0083%; no homozygotes.

Submission:

Labcorp Genetics (formerly Invitae), Labcorp
Classification: Uncertain significance for 3-methylglutaconic aciduria, type VIIB. Last evaluated: 2025-08-12. Review status: criteria provided, single submitter. Criteria: Invitae Variant Classification Sherloc (09022015). Collection method: clinical testing. Allele origin: germline.
Comment: This sequence change replaces asparagine, which is neutral and polar, with serine, which is neutral and polar, at codon 180 of the CLPB protein (p.Asn180Ser). This variant is present in population databases (rs749221378, gnomAD 0.01%). This variant has not been reported in the literature in individuals affected with CLPB-related conditions. ClinVar contains an entry for this variant (Variation ID: 1987088). An algorithm developed to predict the effect of missense changes on protein structure and function (PolyPhen-2) suggests that this variant is likely to be tolerated. In summary, the available evidence is currently insufficient to determine the role of this variant in disease. Therefore, it has been classified as a Variant of Uncertain Significance.

NM_001258392.3(CLPB):c.539A>G (p.Asn180Ser)

Gene: CLPB (ClpB family mitochondrial disaggregase; minus strand). Cytogenetic location: 11q13.4.
Variant type: single nucleotide variant.
Coding change: c.539A>G on transcript NM_001258392.3 (MANE Select); coding-DNA position 539, A replaced by G.
Protein change: p.Asn180Ser; replaces asparagine 180 with serine.
Molecular consequence: missense variant. On other transcripts: intron variant (1).
Genome position (GRCh38, 1-based): chr11:72,402,969, T>C on the plus strand (A>G on the coding strand, the complement: CLPB is on the minus strand). VCF-style: chr11-72402969-T-C. GRCh37 (hg19) VCF-style: chr11-72114013-T-C.
Other names: c.404A>G, p.Asn135Ser (NM_001258394.3); c.539A>G, p.Asn180Ser (NM_030813.6); c.456-22585A>G (NM_001258393.3); short protein forms N180S, N135S.
Identifiers: ClinVar variation 1987088 (VCV001987088.4), dbSNP rs749221378, ClinGen allele CA6171539.
Genomic context (GRCh38, chr11:72,402,969, plus strand): 5'-GAGCACAGTCTGCAGAGATCTGCCTAAAGGAGCCCTGTGTGGAAGGTGGTCTCTCACCTG[T>C]TGTTTCGGTTGATGGCTGCCACCATGAGTGCTGTCCAGCCAAGTCTGTGCTTTGCATTGA-3'
Protein context (NP_001245321.1, residues 170-190): ALMVAAINRN[Asn180Ser]SVVQVLLAAG